The following is an entry in ClinVar:

ClinVar aggregate classification (germline): Conflicting classifications of pathogenicity. Review status: criteria provided, conflicting classifications (1 of 4 stars). 6 submissions from 6 submitters: Uncertain significance (3); Likely benign (2). 1 of the submissions does not count toward it. Last evaluated 2026-01-23.

Conditions:
Inborn genetic diseases. Identifiers: MedGen C0950123, MeSH D030342.
Usher syndrome type 1 (USH1). Also called: RETINITIS PIGMENTOSA AND CONGENITAL DEAFNESS. Identifiers: Orphanet 231169, Orphanet 886, MedGen C1568247, MONDO:0010168, OMIM 276900.

Allele frequency attached by ClinVar (database versions not stated): ESP Exome Variant Server 0.00008; TOPMed 0.00018; gnomAD 0.00021 and 0.00022; 1000 Genomes Project 0.00040; 1000 Genomes Project 30x 0.00047.
gnomAD v4.1: 132 of 1,613,948 alleles (0.0082%); highest among the groups gnomAD compares: Middle Eastern, 0.066%; no homozygotes.

Submissions (6):

GeneDx
Classification: Uncertain significance. Last evaluated: 2026-01-23. Review status: criteria provided, single submitter. Criteria: GeneDx Variant Classification Process June 2021. Collection method: clinical testing. Allele origin: germline. Affected: yes.
Comment: In silico analysis suggests that this missense variant does not alter protein structure/function; Has not been previously published as pathogenic or benign to our knowledge

Labcorp Genetics (formerly Invitae), Labcorp
Classification: Likely benign. Last evaluated: 2026-01-20. Review status: criteria provided, single submitter. Criteria: Invitae Variant Classification Sherloc (09022015). Collection method: clinical testing. Allele origin: germline.

Ambry Genetics
Classification: Uncertain significance for Inborn genetic diseases. Last evaluated: 2024-11-26. Review status: criteria provided, single submitter. Criteria: Ambry Variant Classification Scheme 2023. Collection method: clinical testing. Allele origin: germline.

Blueprint Genetics
Classification: Likely benign. Last evaluated: 2024-09-05. Review status: criteria provided, single submitter. Criteria: ACMG Guidelines, 2015. Collection method: clinical testing. Allele origin: germline.

Laboratory for Molecular Medicine, Mass General Brigham Personalized Medicine
Classification: Uncertain significance. Last evaluated: 2013-12-10. Review status: criteria provided, single submitter. Criteria: LMM Criteria. Collection method: clinical testing. Allele origin: germline. Observed: 4 variant alleles.
Comment: The Val2803Ile variant in CDH23 has now been identified by our laboratory in one individual with sloping sensorineural hearing loss and in one individual with a uditory neuropathy/dys-synchrony (ANSD). However, a second pathogenic variant in CDH23 was not found in any of these individuals and pathogenic variants in CDH2 3 have not been associated with ANSD, which suggest that this variant may not be related to these individuals' hearing loss. This variant has been identified in 0.02% (1/4260) of African American chromosomes by the NHLBI Exome sequencing pr oject (dbSNP rs369697366); though this freque ncy is not high enough to rule out a pathogenic role. Computational analyses (bi ochemical amino acid properties, conservation, AlignGVGD, PolyPhen2, and SIFT) d o not provide strong support for or against an impact to the protein. In summary , additional information is needed to determine the clinical significance of thi s variant.

Natera, Inc.
Classification: Uncertain significance for Usher syndrome type 1. Last evaluated: 2020-09-16. Review status: no assertion criteria provided. Collection method: clinical testing. Allele origin: germline. Not counted in ClinVar's aggregate classification.

NM_022124.6(CDH23):c.8407G>A (p.Val2803Ile)

Gene: CDH23 (cadherin related 23; plus strand). Cytogenetic location: 10q22.1.
Variant type: single nucleotide variant.
Coding change: c.8407G>A on transcript NM_022124.6 (MANE Select); coding-DNA position 8407, G replaced by A.
Protein change: p.Val2803Ile; replaces valine 2803 with isoleucine.
Molecular consequence: missense variant.
Genome position (GRCh38, 1-based): chr10:71,807,614, G>A. VCF-style: chr10-71807614-G-A. GRCh37 (hg19) VCF-style: chr10-73567371-G-A.
Other names: c.1687G>A, p.Val563Ile (NM_001171933.1, NM_001171934.1); short protein forms V2803I, V563I.
Identifiers: ClinVar variation 46048 (VCV000046048.19), dbSNP rs369697366, ClinGen allele CA137596.